The following is an entry in ClinVar:

ClinVar aggregate classification (germline): Uncertain significance. Review status: criteria provided, multiple submitters, no conflicts (2 of 4 stars). 2 submissions from 2 submitters: Uncertain significance (2). Last evaluated 2026-03-02.

Conditions:
Hereditary cancer-predisposing syndrome. Also called: Neoplastic Syndromes, Hereditary; Tumor predisposition; Hereditary Cancer Syndrome; Hereditary neoplastic syndrome. Identifiers: Orphanet 140162, MedGen C0027672, MeSH D009386, MONDO:0015356.
Juvenile polyposis syndrome (JPS). Identifiers: Orphanet 2929, MedGen C0345893, MONDO:0017380, OMIM 174900.

Submissions (2):

Ambry Genetics
Classification: Uncertain significance for Hereditary cancer-predisposing syndrome. Last evaluated: 2026-03-02. Review status: criteria provided, single submitter. Criteria: Ambry Variant Classification Scheme 2023. Collection method: clinical testing. Allele origin: germline.
Comment: The p.T78A variant (also known as c.232A>G), located in coding exon 3 of the BMPR1A gene, results from an A to G substitution at nucleotide position 232. The threonine at codon 78 is replaced by alanine, an amino acid with similar properties. This amino acid position is highly conserved in available vertebrate species. In addition, this alteration is predicted to be deleterious by in silico analysis. Based on the available evidence, the clinical significance of this variant remains unclear.

Labcorp Genetics (formerly Invitae), Labcorp
Classification: Uncertain significance for Juvenile polyposis syndrome. Last evaluated: 2025-04-18. Review status: criteria provided, single submitter. Criteria: Invitae Variant Classification Sherloc (09022015). Collection method: clinical testing. Allele origin: germline.
Comment: This sequence change replaces threonine, which is neutral and polar, with alanine, which is neutral and non-polar, at codon 78 of the BMPR1A protein (p.Thr78Ala). This variant is not present in population databases (gnomAD no frequency). This variant has not been reported in the literature in individuals affected with BMPR1A-related conditions. An algorithm developed to predict the effect of missense changes on protein structure and function (PolyPhen-2) suggests that this variant is likely to be disruptive. In summary, the available evidence is currently insufficient to determine the role of this variant in disease. Therefore, it has been classified as a Variant of Uncertain Significance.

NM_004329.3(BMPR1A):c.232A>G (p.Thr78Ala)

Gene: BMPR1A (bone morphogenetic protein receptor type 1A; plus strand). Cytogenetic location: 10q23.2.
Variant type: single nucleotide variant.
Coding change: c.232A>G on transcript NM_004329.3 (MANE Select); coding-DNA position 232, A replaced by G.
Protein change: p.Thr78Ala; replaces threonine 78 with alanine.
Molecular consequence: missense variant. On other transcripts: non-coding transcript variant (3).
Genome position (GRCh38, 1-based): chr10:86,892,128, A>G. VCF-style: chr10-86892128-A-G. GRCh37 (hg19) VCF-style: chr10-88651885-A-G.
Other names: c.232A>G, p.Thr78Ala (NM_001406559.1, NM_001406560.1, NM_001406561.1 and 23 more transcripts); c.148A>G, p.Thr50Ala (NM_001406584.1, NM_001406585.1, NM_001406586.1 and 2 more transcripts); short protein forms T50A, T78A.
Identifiers: ClinVar variation 4717863 (VCV004717863.2).